The following is an entry in ClinVar:

ClinVar aggregate classification (germline): Uncertain significance (1 of 4 stars; one submission).

Conditions:
Microcephaly, normal intelligence and immunodeficiency (NBS). Also called: IMMUNODEFICIENCY, MICROCEPHALY, AND CHROMOSOMAL INSTABILITY; SEEMANOVA SYNDROME II; Immunodeficiency, microcephaly with normal intelligence; Ataxia telangiectasia variant V1; Nijmegen breakage syndrome; Microcephaly with normal intelligence immunodeficiency and lymphoreticular malignancies. Identifiers: Orphanet 647, MedGen C0398791, MONDO:0009623, OMIM 251260.

Submission:

Labcorp Genetics (formerly Invitae), Labcorp
Classification: Uncertain significance for Microcephaly, normal intelligence and immunodeficiency. Last evaluated: 2023-04-24. Review status: criteria provided, single submitter. Criteria: Invitae Variant Classification Sherloc (09022015). Collection method: clinical testing. Allele origin: germline.
Comment: ClinVar contains an entry for this variant (Variation ID: 411785). In summary, the available evidence is currently insufficient to determine the role of this variant in disease. Therefore, it has been classified as a Variant of Uncertain Significance. Algorithms developed to predict the effect of sequence changes on RNA splicing suggest that this variant may disrupt the consensus splice site. An algorithm developed to predict the effect of missense changes on protein structure and function (PolyPhen-2) suggests that this variant is likely to be disruptive. This variant has not been reported in the literature in individuals affected with NBN-related conditions. This variant is not present in population databases (gnomAD no frequency). This sequence change replaces glutamic acid, which is acidic and polar, with valine, which is neutral and non-polar, at codon 728 of the NBN protein (p.Glu728Val).

NM_002485.5(NBN):c.2183A>T (p.Glu728Val)

Gene: NBN (nibrin; minus strand). Cytogenetic location: 8q21.3.
Variant type: single nucleotide variant.
Coding change: c.2183A>T on transcript NM_002485.5 (MANE Select); coding-DNA position 2183, A replaced by T.
Protein change: p.Glu728Val; replaces glutamic acid 728 with valine.
Molecular consequence: missense variant.
Genome position (GRCh38, 1-based): chr8:89,943,254, T>A on the plus strand (A>T on the coding strand, the complement: NBN is on the minus strand). VCF-style: chr8-89943254-T-A. GRCh37 (hg19) VCF-style: chr8-90955482-T-A.
Other names: c.1937A>T, p.Glu646Val (NM_001024688.3); short protein forms E728V, E646V.
Identifiers: ClinVar variation 411785 (VCV000411785.10), dbSNP rs1060503487, ClinGen allele CA16612355.